The following is an entry in ClinVar:

ClinVar aggregate classification (germline): Uncertain significance. Review status: criteria provided, multiple submitters, no conflicts (2 of 4 stars). 2 submissions from 2 submitters: Uncertain significance (2). Last evaluated 2026-04-23.

Conditions:
Arrhythmogenic right ventricular dysplasia 13. Also called: ARRHYTHMOGENIC RIGHT VENTRICULAR CARDIOMYOPATHY 13; Arrhythmogenic right ventricular dysplasia, familial, 13. Identifiers: MedGen C3810138, MONDO:0000908, OMIM 615616.

Allele frequency attached by ClinVar (database versions not stated): TOPMed 0.00002; gnomAD exomes below 0.00001.
gnomAD v4.1: 1 of 1,614,138 alleles (0.000062%); highest among the groups gnomAD compares: Admixed American, 0.0017%; no homozygotes.

Submissions (2):

Ambry Genetics
Classification: Uncertain significance. Last evaluated: 2026-04-23. Review status: criteria provided, single submitter. Criteria: Ambry Variant Classification Scheme 2023. Collection method: clinical testing. Allele origin: germline.
Comment: The p.R861T variant (also known as c.2582G>C), located in coding exon 17 of the CTNNA3 gene, results from a G to C substitution at nucleotide position 2582. The arginine at codon 861 is replaced by threonine, an amino acid with similar properties. This amino acid position is conserved. In addition, this alteration is predicted to be tolerated by in silico analysis. Based on the available evidence, the clinical significance of this variant remains unclear.

Labcorp Genetics (formerly Invitae), Labcorp
Classification: Uncertain significance for Arrhythmogenic right ventricular dysplasia 13. Last evaluated: 2024-01-12. Review status: criteria provided, single submitter. Criteria: Invitae Variant Classification Sherloc (09022015). Collection method: clinical testing. Allele origin: germline.
Comment: This sequence change replaces arginine, which is basic and polar, with threonine, which is neutral and polar, at codon 861 of the CTNNA3 protein (p.Arg861Thr). This variant is present in population databases (no rsID available, gnomAD 0.003%). This variant has not been reported in the literature in individuals affected with CTNNA3-related conditions. ClinVar contains an entry for this variant (Variation ID: 1461023). Advanced modeling of protein sequence and biophysical properties (such as structural, functional, and spatial information, amino acid conservation, physicochemical variation, residue mobility, and thermodynamic stability) performed at Invitae indicates that this missense variant is not expected to disrupt CTNNA3 protein function with a negative predictive value of 80%. In summary, the available evidence is currently insufficient to determine the role of this variant in disease. Therefore, it has been classified as a Variant of Uncertain Significance.

NM_013266.4(CTNNA3):c.2582G>C (p.Arg861Thr)

Gene: CTNNA3 (catenin alpha 3; minus strand). Cytogenetic location: 10q21.3.
Variant type: single nucleotide variant.
Coding change: c.2582G>C on transcript NM_013266.4 (MANE Select); coding-DNA position 2582, G replaced by C.
Protein change: p.Arg861Thr; replaces arginine 861 with threonine.
Molecular consequence: missense variant.
Genome position (GRCh38, 1-based): chr10:65,920,436, C>G on the plus strand (G>C on the coding strand, the complement: CTNNA3 is on the minus strand). VCF-style: chr10-65920436-C-G. GRCh37 (hg19) VCF-style: chr10-67680194-C-G.
Other names: c.2582G>C, p.Arg861Thr (NM_001127384.3); c.2582G>C (NM_013266.2); short protein forms R861T.
Identifiers: ClinVar variation 1461023 (VCV001461023.7), dbSNP rs1375445904, ClinGen allele CA377088806.